The following is an entry in ClinVar:

Conditions:
Breast-ovarian cancer, familial, susceptibility to, 1 (BROVCA1). Also called: BRCA1 Hereditary Breast and Ovarian Cancer; OVARIAN CANCER, SUSCEPTIBILITY TO. Identifiers: Orphanet 145, MedGen C2676676, MONDO:0011450, OMIM 604370. Disease mechanism: loss of function.

Submission:

Brotman Baty Institute, University of Washington
No classification provided (evidence only). Condition: Breast-ovarian cancer, familial 1. Review status: no classification provided. Collection method: in vitro. Allele origin: not applicable. Functional consequence: functionally_normal.
ClinVar note: "not provided" was previously submitted as the classification for the variant. However, the classification appeared to be based only on an observation of functional data so it was converted to no classification on 2025-07-30.

NM_007294.4(BRCA1):c.5075-10C>G

Gene: BRCA1 (BRCA1 DNA repair associated; minus strand). Cytogenetic location: 17q21.31.
Variant type: single nucleotide variant.
Coding change: c.5075-10C>G on transcript NM_007294.4 (MANE Select); 10 bases into the intron before coding-DNA position 5075, C replaced by G.
Molecular consequence: intron variant.
Genome position (GRCh38, 1-based): chr17:43,063,961, G>C on the plus strand (C>G on the coding strand, the complement: BRCA1 is on the minus strand). VCF-style: chr17-43063961-G-C. GRCh37 (hg19) VCF-style: chr17-41215978-G-C.
Other names: c.4946-10C>G (NM_001407941.1, NM_001407683.1, NM_001407686.1 and 6 more transcripts); c.4949-10C>G (NM_001407673.1, NM_001407674.1, NM_001407939.1 and 10 more transcripts); c.1760-10C>G (NM_001408400.1, NM_001408392.1, NM_001408397.1 and 8 more transcripts); c.1763-10C>G (NM_001407986.1, NM_001407979.1, NM_001407982.1 and 12 more transcripts); c.1829-10C>G (NM_001407972.1); c.5069-10C>G (NM_001407630.1, NM_001407633.1, NM_001407642.1 and 14 more transcripts); c.5072-10C>G (NM_001407615.1, NM_001407625.1, NM_001407619.1 and 17 more transcripts); c.5135-10C>G (NM_001407591.1, NM_001407590.1); and 73 more.
Identifiers: ClinVar variation 864915 (VCV000864915.3), dbSNP rs2051940421, ClinGen allele CA916080138.
Genomic context (GRCh38, chr17:43,063,961, plus strand): 5'-CCGCAATTCCTAGAAAATATTTCAGTGTCCGTTCACACACAAACTCAGCATCTGCAGAAT[G>C]AAAAACACTCAAAGGATTAGAAGTTGAAAACAAAATCAGGAAGTGCTGTCCTAAGAAGCT-3'